The following is an entry in ClinVar:

NM_001077653.2(TBX20):c.1261T>C (p.Tyr421His)

Gene: TBX20 (T-box transcription factor 20; minus strand). Cytogenetic location: 7p14.2.
Variant type: single nucleotide variant.
Coding change: c.1261T>C on transcript NM_001077653.2 (MANE Select); coding-DNA position 1261, T replaced by C.
Protein change: p.Tyr421His; replaces tyrosine 421 with histidine.
Molecular consequence: missense variant.
Genome position (GRCh38, 1-based): chr7:35,202,513, A>G on the plus strand (T>C on the coding strand, the complement: TBX20 is on the minus strand). VCF-style: chr7-35202513-A-G. GRCh37 (hg19) VCF-style: chr7-35242125-A-G.
Other names: short protein forms Y421H.
Identifiers: ClinVar variation 4779612 (VCV004779612.1).

ClinVar aggregate classification (germline): Uncertain significance (1 of 4 stars; one submission).

gnomAD v4.1: 1 of 1,610,844 alleles (0.000062%); highest among the groups gnomAD compares: South Asian, 0.0011%; no homozygotes.

Submission:

Labcorp Genetics (formerly Invitae), Labcorp
Classification: Uncertain significance. Last evaluated: 2025-07-18. Review status: criteria provided, single submitter. Criteria: Invitae Variant Classification Sherloc (09022015). Collection method: clinical testing. Allele origin: germline.
Comment: This sequence change replaces tyrosine, which is neutral and polar, with histidine, which is basic and polar, at codon 421 of the TBX20 protein (p.Tyr421His). This variant is not present in population databases (gnomAD no frequency). This variant has not been reported in the literature in individuals affected with TBX20-related conditions. An algorithm developed to predict the effect of missense changes on protein structure and function (PolyPhen-2) suggests that this variant is likely to be disruptive. In summary, the available evidence is currently insufficient to determine the role of this variant in disease. Therefore, it has been classified as a Variant of Uncertain Significance.